The following is an entry in ClinVar:

NM_013275.6(ANKRD11):c.5719C>T (p.Leu1907Phe)

Gene: ANKRD11 (ankyrin repeat domain 11; minus strand). Cytogenetic location: 16q24.3.
Variant type: single nucleotide variant.
Coding change: c.5719C>T on transcript NM_013275.6 (MANE Select); coding-DNA position 5719, C replaced by T.
Protein change: p.Leu1907Phe; replaces leucine 1907 with phenylalanine.
Molecular consequence: missense variant.
Genome position (GRCh38, 1-based): chr16:89,280,823, G>A on the plus strand (C>T on the coding strand, the complement: ANKRD11 is on the minus strand). VCF-style: chr16-89280823-G-A. GRCh37 (hg19) VCF-style: chr16-89347231-G-A.
Other names: c.5719C>T, p.Leu1907Phe (NM_001256182.2, NM_001256183.2); short protein forms L1907F.
Identifiers: ClinVar variation 4833131 (VCV004833131.1).

ClinVar aggregate classification (germline): Uncertain significance (1 of 4 stars; one submission).

Conditions:
Inborn genetic diseases. Identifiers: MedGen C0950123, MeSH D030342.

gnomAD v4.1: 2 of 1,602,112 alleles (0.00012%); highest among the groups gnomAD compares: Non-Finnish European, 0.00017%; no homozygotes.

Submission:

Ambry Genetics
Classification: Uncertain significance for Inborn genetic diseases. Last evaluated: 2025-12-15. Review status: criteria provided, single submitter. Criteria: Ambry Variant Classification Scheme 2023. Collection method: clinical testing. Allele origin: germline.
Comment: The c.5719C>T (p.L1907F) alteration is located in exon 9 (coding exon 7) of the ANKRD11 gene. This alteration results from a C to T substitution at nucleotide position 5719, causing the leucine (L) at amino acid position 1907 to be replaced by a phenylalanine (F). Based on data from gnomAD, the T allele has an overall frequency of <0.001% (1/246470) total alleles studied. The highest observed frequency was 0.001% (1/111302) of European (non-Finnish) alleles. Based on insufficient or conflicting evidence, the clinical significance of this alteration remains unclear.